The following is an entry in ClinVar:

NM_004830.4(MED23):c.2750G>A (p.Trp917Ter)

Gene: MED23 (mediator complex subunit 23; minus strand). Cytogenetic location: 6q23.2.
Variant type: single nucleotide variant.
Coding change: c.2750G>A on transcript NM_004830.4 (MANE Select); coding-DNA position 2750, G replaced by A.
Protein change: p.Trp917Ter; replaces tryptophan 917 with a stop codon.
Molecular consequence: nonsense. On other transcripts: intron variant (3).
Genome position (GRCh38, 1-based): chr6:131,596,546, C>T on the plus strand (G>A on the coding strand, the complement: MED23 is on the minus strand). VCF-style: chr6-131596546-C-T. GRCh37 (hg19) VCF-style: chr6-131917686-C-T.
Other names: c.2750G>A, p.Trp917Ter (NM_001270521.2, NM_001270522.2); c.2768G>A, p.Trp923Ter (NM_001376517.1, NM_015979.4); c.2696G>A, p.Trp899Ter (NM_001376518.1); c.2609G>A, p.Trp870Ter (NM_001376520.1); c.2495G>A, p.Trp832Ter (NM_001376523.1); c.2363G>A, p.Trp788Ter (NM_001376524.1); c.2608-383G>A (NM_001376522.1); c.2640+110G>A (NM_001376521.1, NM_001376519.1); short protein forms W788*, W832*, W870*, W899*, W917*, W923*.
Identifiers: ClinVar variation 1215415 (VCV001215415.5), dbSNP rs755148992, ClinGen allele CA3999773.

ClinVar aggregate classification (germline): Likely pathogenic (1 of 4 stars; one submission).

Allele frequency attached by ClinVar (database versions not stated): gnomAD exomes below 0.00001; ExAC 0.00001; gnomAD 0.00001; TOPMed 0.00001.
gnomAD v4.1: 6 of 1,614,042 alleles (0.00037%); highest among the groups gnomAD compares: Non-Finnish European, 0.00051%; no homozygotes.

Submission:

GeneDx
Classification: Likely pathogenic. Last evaluated: 2022-08-08. Review status: criteria provided, single submitter. Criteria: GeneDx Variant Classification Process June 2021. Collection method: clinical testing. Allele origin: germline. Affected: yes.
Comment: Nonsense variant predicted to result in protein truncation or nonsense mediated decay in a gene for which loss-of-function is a known mechanism of disease; Not observed in large population cohorts (gnomAD); Has not been previously published as pathogenic or benign to our knowledge